The following is an entry in ClinVar:

NM_003482.4(KMT2D):c.10256A>G (p.Asp3419Gly)

Gene: KMT2D (lysine methyltransferase 2D; minus strand). Cytogenetic location: 12q13.12.
Variant type: single nucleotide variant.
Coding change: c.10256A>G on transcript NM_003482.4 (MANE Select); coding-DNA position 10256, A replaced by G.
Protein change: p.Asp3419Gly; replaces aspartic acid 3419 with glycine.
Molecular consequence: missense variant.
Genome position (GRCh38, 1-based): chr12:49,034,911, T>C on the plus strand (A>G on the coding strand, the complement: KMT2D is on the minus strand). VCF-style: chr12-49034911-T-C. GRCh37 (hg19) VCF-style: chr12-49428694-T-C.
Other names: short protein forms D3419G.
Identifiers: ClinVar variation 94136 (VCV000094136.96), dbSNP rs146044282, ClinGen allele CA160587.

ClinVar aggregate classification (germline): Benign/Likely benign. Review status: criteria provided, multiple submitters, no conflicts (2 of 4 stars). 15 submissions from 15 submitters: Benign (6); Likely benign (6). 3 of the submissions do not count toward it. Last evaluated 2026-09-01.

Conditions:
Inborn genetic diseases. Identifiers: MedGen C0950123, MeSH D030342.
KMT2D-related disorder. Also called: KMT2D-Related Disorders.
Kabuki syndrome. Also called: NIIKAWA-KUROKI SYNDROME; Kabuki make-up syndrome. Identifiers: Orphanet 2322, MedGen C0796004, MONDO:0016512.
Kabuki syndrome 1 (KABUK1). Also called: KMT2D-Related Kabuki Syndrome. Identifiers: Orphanet 2322, MedGen CN030661, MONDO:0007843, OMIM 147920.

Allele frequency attached by ClinVar (database versions not stated): 1000 Genomes Project 30x 0.00047; 1000 Genomes Project 0.00040; gnomAD 0.00153 and 0.00152; TOPMed 0.00127; ESP Exome Variant Server 0.00148; gnomAD exomes 0.00159; ExAC 0.00179.
gnomAD v4.1: 3,359 of 1,614,010 alleles (0.21%); highest among the groups gnomAD compares: Middle Eastern, 0.33%; 12 homozygotes.

Submissions (17):

CeGaT Center for Human Genetics Tuebingen
Classification: Likely benign. Last evaluated: 2026-09-01. Review status: criteria provided, single submitter. Criteria: CeGaT Center For Human Genetics Tuebingen Variant Classification Criteria Version 2. Collection method: clinical testing. Allele origin: germline. Affected: yes. Observed: 21 variant alleles.
Comment: KMT2D: BS1

PreventionGenetics, part of Exact Sciences
Classification: Likely benign for KMT2D-related condition. Last evaluated: 2026-04-15. Review status: criteria provided, single submitter. Criteria: ACMG Guidelines, 2015. Collection method: clinical testing. Allele origin: germline.
Comment: This variant is classified as likely benign based on ACMG/AMP sequence variant interpretation guidelines (Richards et al. 2015 PMID: 25741868, with internal and published modifications).

Labcorp Genetics (formerly Invitae), Labcorp
Classification: Benign for Kabuki syndrome. Last evaluated: 2026-01-27. Review status: criteria provided, single submitter. Criteria: Invitae Variant Classification Sherloc (09022015). Collection method: clinical testing. Allele origin: germline.

Ambry Genetics
Classification: Benign for Inborn genetic diseases. Last evaluated: 2025-01-24. Review status: criteria provided, single submitter. Criteria: Ambry Variant Classification Scheme 2023. Collection method: clinical testing. Allele origin: germline.

Blueprint Genetics
Classification: Likely benign. Last evaluated: 2024-11-26. Review status: criteria provided, single submitter. Criteria: ACMG Guidelines, 2015. Collection method: clinical testing. Allele origin: germline.

ARUP Laboratories, Molecular Genetics and Genomics, ARUP Laboratories
Classification: Benign. Last evaluated: 2024-11-13. Review status: criteria provided, single submitter. Criteria: ARUP Molecular Germline Variant Investigation Process 2024. Collection method: clinical testing. Allele origin: germline.

GeneDx
Classification: Benign. Last evaluated: 2021-03-22. Review status: criteria provided, single submitter. Criteria: GeneDx Variant Classification Process June 2021. Collection method: clinical testing. Allele origin: germline. Affected: yes.

Mendelics
Classification: Likely benign for Kabuki syndrome 1. Last evaluated: 2019-05-28. Review status: criteria provided, single submitter. Criteria: Mendelics Assertion Criteria 2017. Collection method: clinical testing. Allele origin: unknown.

Athena Diagnostics
Classification: Benign. Last evaluated: 2018-05-14. Review status: criteria provided, single submitter. Criteria: Athena Diagnostics Criteria. Collection method: clinical testing. Allele origin: germline.

Center for Pediatric Genomic Medicine, Children's Mercy Hospital and Clinics
Classification: Likely benign. Last evaluated: 2017-02-20. Review status: criteria provided, single submitter. Criteria: ACMG Guidelines, 2015. Collection method: clinical testing. Allele origin: germline.

Eurofins Ntd Llc (ga)
Classification: Benign. Last evaluated: 2017-02-17. Review status: criteria provided, single submitter. Criteria: EGL Classification Definitions 2015. Collection method: clinical testing. Allele origin: germline. Observed: 1 variant allele, 1 heterozygote.

Genetic Services Laboratory, University of Chicago
Classification: Likely benign. Last evaluated: 2013-12-02. Review status: criteria provided, single submitter. Criteria: ACMG Guidelines, 2007. Collection method: clinical testing. Allele origin: germline. Inheritance: Autosomal dominant inheritance.

ITMI
No classification provided. Condition: AllHighlyPenetrant. Last evaluated: 2013-09-19. Review status: no classification provided. Collection method: reference population. Allele origin: germline. Not counted in ClinVar's aggregate classification.
Comment: Please see associated publication for description of ethnicities

Clinical Genetics DNA and cytogenetics Diagnostics Lab, Erasmus MC, Erasmus Medical Center
Classification: Likely benign. Review status: no assertion criteria provided. Collection method: clinical testing. Allele origin: germline. Affected: yes. Study: VKGL Data-share Consensus. Not counted in ClinVar's aggregate classification.

Diagnostic Laboratory, Department of Genetics, University Medical Center Groningen
Classification: Likely benign. Review status: no assertion criteria provided. Collection method: clinical testing. Allele origin: germline. Affected: yes. Study: VKGL Data-share Consensus. Not counted in ClinVar's aggregate classification.

Dr. Peter K. Rogan Lab, Western University
No classification provided (evidence only). Condition: Sarcoma. Review status: no classification provided. Collection method: in vitro. Allele origin: not applicable. Functional consequence: retained intron. Not counted in ClinVar's aggregate classification.

Dr. Peter K. Rogan Lab, Western University
No classification provided (evidence only). Condition: Gastric cancer. Review status: no classification provided. Collection method: in vitro. Allele origin: not applicable. Functional consequence: retained intron. Not counted in ClinVar's aggregate classification.

Literature cited by the submitters: PubMed 21280141 (cited by Eurofins Ntd Llc (ga)); PubMed 24728327 (cited by ITMI).